The following is an entry in ClinVar:

NM_002474.3(MYH11):c.914A>G (p.Asn305Ser)

Gene: MYH11 (myosin heavy chain 11; minus strand). Cytogenetic location: 16p13.11.
Variant type: single nucleotide variant.
Coding change: c.914A>G on transcript NM_002474.3 (MANE Select); coding-DNA position 914, A replaced by G.
Protein change: p.Asn305Ser; replaces asparagine 305 with serine.
Molecular consequence: missense variant.
Genome position (GRCh38, 1-based): chr16:15,771,688, T>C on the plus strand (A>G on the coding strand, the complement: MYH11 is on the minus strand). VCF-style: chr16-15771688-T-C. GRCh37 (hg19) VCF-style: chr16-15865545-T-C.
Other names: p.N305S:AAC>AGC; c.935A>G, p.Asn312Ser (NM_001040113.2, NM_001040114.2); c.914A>G, p.Asn305Ser (NM_022844.3); short protein forms N305S, N312S.
Identifiers: ClinVar variation 201103 (VCV000201103.74), dbSNP rs185661462, ClinGen allele CA306650.

ClinVar aggregate classification (germline): Conflicting classifications of pathogenicity. Review status: criteria provided, conflicting classifications (1 of 4 stars). 15 submissions from 15 submitters: Uncertain significance (1); Benign (5); Likely benign (7). 2 of the submissions do not count toward it. Last evaluated 2026-02-03.

Conditions:
Connective tissue disorder. Also called: Connective tissue disease. Identifiers: MedGen C0009782, MONDO:0003900.
MYH11-related disorder. Also called: MYH11-related condition.
Familial thoracic aortic aneurysm and aortic dissection (TAAD). Also called: Thoracic aortic aneurysms and dissections. Identifiers: Orphanet 91387, MedGen C4707243, MONDO:0019625.
Aortic aneurysm, familial thoracic 4 (AAT4). Also called: AORTIC ANEURYSM/AORTIC DISSECTION AND PATENT DUCTUS ARTERIOSUS. Identifiers: MedGen C1851504, MONDO:0007568, OMIM 132900.

Allele frequency attached by ClinVar (database versions not stated): gnomAD exomes 0.00016 and 0.00068; gnomAD 0.00026 and 0.00042; TOPMed 0.00037; ExAC 0.00057; 1000 Genomes Project 30x 0.00265; 1000 Genomes Project 0.00300.
gnomAD v4.1: 448 of 1,614,138 alleles (0.028%); highest among the groups gnomAD compares: East Asian, 0.54%; 6 homozygotes.

Submissions (15):

Labcorp Genetics (formerly Invitae), Labcorp
Classification: Benign for Aortic aneurysm, familial thoracic 4. Last evaluated: 2026-02-03. Review status: criteria provided, single submitter. Criteria: Invitae Variant Classification Sherloc (09022015). Collection method: clinical testing. Allele origin: germline.

ARUP Laboratories, Molecular Genetics and Genomics, ARUP Laboratories
Classification: Likely benign. Last evaluated: 2025-05-19. Review status: criteria provided, single submitter. Criteria: ARUP Molecular Germline Variant Investigation Process 2024. Collection method: clinical testing. Allele origin: germline.

Blueprint Genetics
Classification: Likely benign. Last evaluated: 2024-11-18. Review status: criteria provided, single submitter. Criteria: ACMG Guidelines, 2015. Collection method: clinical testing. Allele origin: germline.

Color Diagnostics, LLC DBA Color Health
Classification: Benign for Familial thoracic aortic aneurysm and aortic dissection. Last evaluated: 2024-09-12. Review status: criteria provided, single submitter. Criteria: ACMG Guidelines, 2015. Collection method: clinical testing. Allele origin: germline.

Women's Health and Genetics/Laboratory Corporation of America, LabCorp
Classification: Benign. Last evaluated: 2021-03-25. Review status: criteria provided, single submitter. Criteria: LabCorp Variant Classification Summary - May 2015. Collection method: clinical testing. Allele origin: germline.
Comment: Variant summary: MYH11 c.935A>G (p.Asn312Ser) results in a conservative amino acid change located in the Myosin head, motor domain (IPR001609) of the encoded protein sequence. Four of five in-silico tools predict a benign effect of the variant on protein function. The variant allele was found at a frequency of 0.00068 in 251434 control chromosomes, predominantly at a frequency of 0.0083 within the East Asian subpopulation in the gnomAD database, including 2 homozygotes. The observed variant frequency within East Asian control individuals in the gnomAD database is approximately 664 fold of the estimated maximal expected allele frequency for a pathogenic variant in MYH11 causing Thoracic Aortic Aneurysms And Dissections phenotype (1.3e-05), strongly suggesting that the variant is a benign polymorphism found primarily in populations of East Asian origin. Nine ClinVar submitters (evaluation after 2014) cite the variant as benign/likely benign and one ClinVar submitter (evaluation after 2014) cites it as uncertain significance. Based on the evidence outlined above, the variant was classified as benign.

CeGaT Center for Human Genetics Tuebingen
Classification: Likely benign. Last evaluated: 2019-06-01. Review status: criteria provided, single submitter. Criteria: CeGaT Center For Human Genetics Tuebingen Variant Classification Criteria Version 2. Collection method: clinical testing. Allele origin: germline. Affected: yes. Observed: 1 variant allele.

Illumina Laboratory Services, Illumina
Classification: Likely benign for Aortic aneurysm, familial thoracic 4. Last evaluated: 2018-01-13. Review status: criteria provided, single submitter. Criteria: ICSL Variant Classification Criteria 13 December 2019. Collection method: clinical testing. Allele origin: germline.
Comment: This variant was observed in the ICSL laboratory as part of a predisposition screen in an ostensibly healthy population. It had not been previously curated by ICSL or reported in the Human Gene Mutation Database (HGMD: prior to June 1st, 2018), and was therefore a candidate for classification through an automated scoring system. Utilizing variant allele frequency, disease prevalence and penetrance estimates, and inheritance mode, an automated score was calculated to assess if this variant is too frequent to cause the disease. Based on the score and internal cut-off values, a variant classified as likely benign is not then subjected to further curation. The score for this variant resulted in a classification of likely benign for this disease.

Genome Diagnostics Laboratory, University Medical Center Utrecht
Classification: Likely benign for Aortic aneurysm, familial thoracic 4. Last evaluated: 2017-07-28. Review status: criteria provided, single submitter. Criteria: ACGS Guidelines, 2013. Collection method: clinical testing. Allele origin: germline. Affected: yes. Study: VKGL Data-share Consensus.

Ambry Genetics
Classification: Benign for Familial thoracic aortic aneurysm and aortic dissection. Last evaluated: 2017-04-28. Review status: criteria provided, single submitter. Criteria: Ambry Variant Classification Scheme 2023. Collection method: clinical testing. Allele origin: germline.

Center for Human Genetics, Inc
Classification: Likely benign for Connective tissue disorder. Last evaluated: 2016-11-01. Review status: criteria provided, single submitter. Criteria: ACMG Guidelines, 2015. Collection method: clinical testing. Allele origin: germline. Affected: yes.

Clinical Genetics DNA and cytogenetics Diagnostics Lab, Erasmus MC, Erasmus Medical Center
Classification: Likely benign for Aortic aneurysm, familial thoracic 4. Last evaluated: 2016-10-20. Review status: criteria provided, single submitter. Criteria: ACGS Guidelines, 2013. Collection method: clinical testing. Allele origin: germline. Affected: yes. Study: VKGL Data-share Consensus.

CHEO Genetics Diagnostic Laboratory, Children's Hospital of Eastern Ontario
Classification: Uncertain significance for Familial thoracic aortic aneurysm and aortic dissection. Last evaluated: 2016-09-23. Review status: criteria provided, single submitter. Criteria: ACMG Guidelines, 2015. Collection method: clinical testing. Allele origin: germline. Study: Canadian Open Genetics Repository.

GeneDx
Classification: Benign. Last evaluated: 2016-07-29. Review status: criteria provided, single submitter. Criteria: GeneDx Variant Classification (06012015). Collection method: clinical testing. Allele origin: germline. Affected: yes.
Comment: This variant is considered likely benign or benign based on one or more of the following criteria: it is a conservative change, it occurs at a poorly conserved position in the protein, it is predicted to be benign by multiple in silico algorithms, and/or has population frequency not consistent with disease.

PreventionGenetics, part of Exact Sciences
Classification: Likely benign for MYH11-related condition. Last evaluated: 2019-03-15. Review status: no assertion criteria provided. Collection method: clinical testing. Allele origin: germline. Not counted in ClinVar's aggregate classification.
Comment: This variant is classified as likely benign based on ACMG/AMP sequence variant interpretation guidelines (Richards et al. 2015 PMID: 25741868, with internal and published modifications).

Genome Diagnostics Laboratory, Amsterdam University Medical Center
Classification: Likely benign. Review status: no assertion criteria provided. Collection method: clinical testing. Allele origin: germline. Affected: yes. Study: VKGL Data-share Consensus. Not counted in ClinVar's aggregate classification.